The following is an entry in ClinVar:

ClinVar aggregate classification (germline): Uncertain significance (1 of 4 stars; one submission).

Submission:

Labcorp Genetics (formerly Invitae), Labcorp
Classification: Uncertain significance. Last evaluated: 2023-10-05. Review status: criteria provided, single submitter. Criteria: Invitae Variant Classification Sherloc (09022015). Collection method: clinical testing. Allele origin: germline.
Comment: This sequence change replaces glutamic acid, which is acidic and polar, with aspartic acid, which is acidic and polar, at codon 1901 of the HERC1 protein (p.Glu1901Asp). This variant is not present in population databases (gnomAD no frequency). This variant has not been reported in the literature in individuals affected with HERC1-related conditions. Advanced modeling of protein sequence and biophysical properties (such as structural, functional, and spatial information, amino acid conservation, physicochemical variation, residue mobility, and thermodynamic stability) performed at Invitae indicates that this missense variant is expected to disrupt HERC1 protein function. In summary, the available evidence is currently insufficient to determine the role of this variant in disease. Therefore, it has been classified as a Variant of Uncertain Significance.

NM_003922.4(HERC1):c.5703A>C (p.Glu1901Asp)

Gene: HERC1 (HECT and RLD domain containing E3 ubiquitin protein ligase family member 1; minus strand). Cytogenetic location: 15q22.31.
Variant type: single nucleotide variant.
Coding change: c.5703A>C on transcript NM_003922.4 (MANE Select); coding-DNA position 5703, A replaced by C.
Protein change: p.Glu1901Asp; replaces glutamic acid 1901 with aspartic acid.
Molecular consequence: missense variant.
Genome position (GRCh38, 1-based): chr15:63,692,538, T>G on the plus strand (A>C on the coding strand, the complement: HERC1 is on the minus strand). VCF-style: chr15-63692538-T-G. GRCh37 (hg19) VCF-style: chr15-63984737-T-G.
Other names: short protein forms E1901D.
Identifiers: ClinVar variation 2766207 (VCV002766207.3), dbSNP rs2551486484, ClinGen allele CA392745150.
Genomic context (GRCh38, chr15:63,692,538, plus strand): 5'-TTGAATTGCTTTTGAAGATACAACTCTGCGAAGAAAAACTAAAAAATCCCCTAGATGGAG[T>G]TCGGCTGCATGTTGTTTCCTAAGAGCAGCTACAGTGAAGAGACAAGTTTACGTTACAACC-3'
Protein context (NP_003913.3, residues 1891-1911): RAALRKQHAA[Glu1901Asp]LHLGDFLVFL